The following is an entry in ClinVar:

NM_024598.4(USB1):c.248C>A (p.Thr83Asn)

Gene: USB1 (U6 snRNA biogenesis phosphodiesterase 1; plus strand). Cytogenetic location: 16q21.
Variant type: single nucleotide variant.
Coding change: c.248C>A on transcript NM_024598.4 (MANE Select); coding-DNA position 248, C replaced by A.
Protein change: p.Thr83Asn; replaces threonine 83 with asparagine.
Molecular consequence: missense variant.
Genome position (GRCh38, 1-based): chr16:58,002,628, C>A. VCF-style: chr16-58002628-C-A. GRCh37 (hg19) VCF-style: chr16-58036532-C-A.
Other names: c.248C>A, p.Thr83Asn (NM_001195302.2, NM_001204911.2, NM_001330569.2); c.95C>A, p.Thr32Asn (NM_001330568.2); short protein forms T83N, T32N.
Identifiers: ClinVar variation 4770821 (VCV004770821.2).

ClinVar aggregate classification (germline): Uncertain significance. Review status: criteria provided, multiple submitters, no conflicts (2 of 4 stars). 2 submissions from 2 submitters: Uncertain significance (2). Last evaluated 2026-04-26.

Conditions:
Inborn genetic diseases. Identifiers: MedGen C0950123, MeSH D030342.

Submissions (2):

Ambry Genetics
Classification: Uncertain significance for Inborn genetic diseases. Last evaluated: 2026-04-26. Review status: criteria provided, single submitter. Criteria: Ambry Variant Classification Scheme 2023. Collection method: clinical testing. Allele origin: germline.
Comment: The p.T83N variant (also known as c.248C>A), located in coding exon 2 of the USB1 gene, results from a C to A substitution at nucleotide position 248. The threonine at codon 83 is replaced by asparagine, an amino acid with similar properties. This amino acid position is conserved. In addition, the in silico prediction for this alteration is inconclusive. Based on the available evidence, the clinical significance of this variant remains unclear.

Labcorp Genetics (formerly Invitae), Labcorp
Classification: Uncertain significance. Last evaluated: 2025-12-02. Review status: criteria provided, single submitter. Criteria: Invitae Variant Classification Sherloc (09022015). Collection method: clinical testing. Allele origin: germline.
Comment: This sequence change replaces threonine, which is neutral and polar, with asparagine, which is neutral and polar, at codon 83 of the USB1 protein (p.Thr83Asn). This variant is not present in population databases (gnomAD no frequency). This variant has not been reported in the literature in individuals affected with USB1-related conditions. Invitae Evidence Modeling of protein sequence and biophysical properties (such as structural, functional, and spatial information, amino acid conservation, physicochemical variation, residue mobility, and thermodynamic stability) indicates that this missense variant is expected to disrupt USB1 protein function with a positive predictive value of 80%. In summary, the available evidence is currently insufficient to determine the role of this variant in disease. Therefore, it has been classified as a Variant of Uncertain Significance.